The following is an entry in ClinVar:

ClinVar aggregate classification (germline): Uncertain significance (1 of 4 stars; one submission).

Conditions:
Charcot-Marie-Tooth disease type 2. Also called: Charcot-Marie-Tooth type 2. Identifiers: Orphanet 64746, MedGen C0270914, MONDO:0018993.

Submission:

Labcorp Genetics (formerly Invitae), Labcorp
Classification: Uncertain significance for Charcot-Marie-Tooth disease type 2. Last evaluated: 2021-06-05. Review status: criteria provided, single submitter. Criteria: Invitae Variant Classification Sherloc (09022015). Collection method: clinical testing. Allele origin: germline.
Comment: This sequence change replaces glutamic acid with lysine at codon 743 of the AARS protein (p.Glu743Lys). The glutamic acid residue is highly conserved and there is a small physicochemical difference between glutamic acid and lysine. This variant is not present in population databases (ExAC no frequency). This variant has not been reported in the literature in individuals with AARS-related conditions. Algorithms developed to predict the effect of missense changes on protein structure and function are either unavailable or do not agree on the potential impact of this missense change (SIFT: "Deleterious"; PolyPhen-2: "Possibly Damaging"; Align-GVGD: "Class C0"). In summary, the available evidence is currently insufficient to determine the role of this variant in disease. Therefore, it has been classified as a Variant of Uncertain Significance.

NM_001605.3(AARS1):c.2227G>A (p.Glu743Lys)

Gene: AARS1 (alanyl-tRNA synthetase 1; minus strand). Cytogenetic location: 16q22.1.
Variant type: single nucleotide variant.
Coding change: c.2227G>A on transcript NM_001605.3 (MANE Select); coding-DNA position 2227, G replaced by A.
Protein change: p.Glu743Lys; replaces glutamic acid 743 with lysine.
Molecular consequence: missense variant.
Genome position (GRCh38, 1-based): chr16:70,255,787, C>T on the plus strand (G>A on the coding strand, the complement: AARS1 is on the minus strand). VCF-style: chr16-70255787-C-T. GRCh37 (hg19) VCF-style: chr16-70289690-C-T.
Other names: short protein forms E743K.
Identifiers: ClinVar variation 1682149 (VCV001682149.8), dbSNP rs1358716596, ClinGen allele CA396556987.